The following is an entry in ClinVar:

ClinVar aggregate classification (germline): Uncertain significance. Review status: criteria provided, multiple submitters, no conflicts (2 of 4 stars). 2 submissions from 2 submitters: Uncertain significance (2). Last evaluated 2024-08-08.

Conditions:
EAST syndrome (SESAMES). Also called: SEIZURES, SENSORINEURAL DEAFNESS, ATAXIA, IMPAIRED INTELLECTUAL DEVELOPMENT, AND ELECTROLYTE IMBALANCE. Identifiers: Orphanet 199343, MedGen C2748572, MONDO:0013005, OMIM 612780.

Allele frequency attached by ClinVar (database versions not stated): ExAC 0.00001; gnomAD 0.00002 and 0.00003; TOPMed 0.00002; ESP Exome Variant Server 0.00008.
gnomAD v4.1: 9 of 1,613,796 alleles (0.00056%); highest among the groups gnomAD compares: African/African-American, 0.0053%; no homozygotes.

Submissions (2):

GeneDx
Classification: Uncertain significance. Last evaluated: 2024-08-08. Review status: criteria provided, single submitter. Criteria: GeneDx Variant Classification Process June 2021. Collection method: clinical testing. Allele origin: germline. Affected: yes.
Comment: Not observed at significant frequency in large population cohorts (gnomAD); In silico analysis indicates that this missense variant does not alter protein structure/function; Has not been previously published as pathogenic or benign to our knowledge

Labcorp Genetics (formerly Invitae), Labcorp
Classification: Uncertain significance for EAST syndrome. Last evaluated: 2021-09-01. Review status: criteria provided, single submitter. Criteria: Invitae Variant Classification Sherloc (09022015). Collection method: clinical testing. Allele origin: germline.
Comment: This sequence change replaces phenylalanine with valine at codon 80 of the KCNJ10 protein (p.Phe80Val). The phenylalanine residue is highly conserved and there is a small physicochemical difference between phenylalanine and valine. This variant is present in population databases (rs377638115, ExAC 0.01%). This variant has not been reported in the literature in individuals affected with KCNJ10-related conditions. Algorithms developed to predict the effect of missense changes on protein structure and function are either unavailable or do not agree on the potential impact of this missense change (SIFT: "Deleterious"; PolyPhen-2: "Probably Damaging"; Align-GVGD: "Class C0"). In summary, the available evidence is currently insufficient to determine the role of this variant in disease. Therefore, it has been classified as a Variant of Uncertain Significance.

NM_002241.5(KCNJ10):c.238T>G (p.Phe80Val)

Gene: KCNJ10 (potassium inwardly rectifying channel subfamily J member 10; minus strand). Cytogenetic location: 1q23.2.
Variant type: single nucleotide variant.
Coding change: c.238T>G on transcript NM_002241.5 (MANE Select); coding-DNA position 238, T replaced by G.
Protein change: p.Phe80Val; replaces phenylalanine 80 with valine.
Molecular consequence: missense variant.
Genome position (GRCh38, 1-based): chr1:160,042,295, A>C on the plus strand (T>G on the coding strand, the complement: KCNJ10 is on the minus strand). VCF-style: chr1-160042295-A-C. GRCh37 (hg19) VCF-style: chr1-160012085-A-C.
Other names: short protein forms F80V.
Identifiers: ClinVar variation 1443375 (VCV001443375.6), dbSNP rs377638115, ClinGen allele CA1193271.
Genomic context (GRCh38, chr1:160,042,295, plus strand): 5'-CCAGCTCCAGCAGGTCCCCATGTGCCACAGCTACCAGATACCACACCACGCCAAAGAGGA[A>C]CCATGTGCCTGCAAAGGTCGCAGAGAAGAGCAGAAGCTTGTAGCGCCACTGCATGTCAAT-3'
Protein context (NP_002232.2, residues 70-90): LFSATFAGTW[Phe80Val]LFGVVWYLVA